The following is an entry in ClinVar:

NM_201599.3(ZMYM3):c.3279C>T (p.Gly1093=)

Gene: ZMYM3 (zinc finger MYM-type containing 3; minus strand). Cytogenetic location: Xq13.1.
Variant type: single nucleotide variant.
Coding change: c.3279C>T on transcript NM_201599.3 (MANE Select); coding-DNA position 3279, C replaced by T.
Protein change: p.Gly1093=; no amino-acid change (glycine 1093 retained).
Molecular consequence: synonymous variant.
Genome position (GRCh38, 1-based): chrX:71,244,303, G>A on the plus strand (C>T on the coding strand, the complement: ZMYM3 is on the minus strand). VCF-style: chrX-71244303-G-A. GRCh37 (hg19) VCF-style: chrX-70464153-G-A.
Other names: c.3243C>T, p.Gly1081= (NM_001171162.1); c.3279C>T, p.Gly1093= (NM_005096.3).
Identifiers: ClinVar variation 4821631 (VCV004821631.4).

ClinVar aggregate classification (germline): Likely benign (1 of 4 stars; one submission).

Submission:

CeGaT Center for Human Genetics Tuebingen
Classification: Likely benign. Last evaluated: 2026-01-01. Review status: criteria provided, single submitter. Criteria: CeGaT Center For Human Genetics Tuebingen Variant Classification Criteria Version 2. Collection method: clinical testing. Allele origin: germline. Affected: yes. Observed: 1 variant allele.
Comment: ZMYM3: BP4, BP7, BS2